The following is an entry in ClinVar:

NM_006918.5(SC5D):c.407G>A (p.Trp136Ter)

Gene: SC5D (sterol-C5-desaturase; plus strand). Cytogenetic location: 11q24.1.
Variant type: single nucleotide variant.
Coding change: c.407G>A on transcript NM_006918.5 (MANE Select); coding-DNA position 407, G replaced by A.
Protein change: p.Trp136Ter; replaces tryptophan 136 with a stop codon.
Molecular consequence: nonsense.
Genome position (GRCh38, 1-based): chr11:121,306,449, G>A. VCF-style: chr11-121306449-G-A. GRCh37 (hg19) VCF-style: chr11-121177158-G-A.
Other names: c.407G>A, p.Trp136Ter (NM_001024956.3); short protein forms W136*.
Identifiers: ClinVar variation 1369666 (VCV001369666.6), dbSNP rs1417104311, ClinGen allele CA383028260.

ClinVar aggregate classification (germline): Uncertain significance (1 of 4 stars; one submission).

Allele frequency attached by ClinVar (database versions not stated): gnomAD exomes below 0.00001 and 0.00001; TOPMed below 0.00001.
gnomAD v4.1: 1 of 1,584,062 alleles (0.000063%); highest among the groups gnomAD compares: Admixed American, 0.0017%; no homozygotes.

Submission:

Labcorp Genetics (formerly Invitae), Labcorp
Classification: Uncertain significance. Last evaluated: 2022-10-17. Review status: criteria provided, single submitter. Criteria: Invitae Variant Classification Sherloc (09022015). Collection method: clinical testing. Allele origin: germline.
Comment: This variant is present in population databases (no rsID available, gnomAD 0.006%). In summary, the available evidence is currently insufficient to determine the role of this variant in disease. Therefore, it has been classified as a Variant of Uncertain Significance. Algorithms developed to predict the effect of sequence changes on RNA splicing suggest that this variant may disrupt the consensus splice site. Experimental studies and prediction algorithms are not available or were not evaluated, and the functional significance of this variant is currently unknown. ClinVar contains an entry for this variant (Variation ID: 1369666). This variant has not been reported in the literature in individuals affected with SC5D-related conditions. This sequence change creates a premature translational stop signal (p.Trp136*) in the SC5D gene. While this is not anticipated to result in nonsense mediated decay, it is expected to disrupt the last 164 amino acid(s) of the SC5D protein.